The following is an entry in ClinVar:

NM_001130965.3(SUN1):c.1517A>G (p.Gln506Arg)

Gene: SUN1 (Sad1 and UNC84 domain containing 1; plus strand). Cytogenetic location: 7p22.3.
Variant type: single nucleotide variant.
Coding change: c.1517A>G on transcript NM_001130965.3 (MANE Select); coding-DNA position 1517, A replaced by G.
Protein change: p.Gln506Arg; replaces glutamine 506 with arginine.
Molecular consequence: missense variant. On other transcripts: non-coding transcript variant (3).
Genome position (GRCh38, 1-based): chr7:857,950, A>G. VCF-style: chr7-857950-A-G. GRCh37 (hg19) VCF-style: chr7-897587-A-G.
Other names: c.1379A>G, p.Gln460Arg (NM_001367648.1); c.1562A>G, p.Gln521Arg (NM_001367649.1); c.1931A>G, p.Gln644Arg (NM_001367651.1); c.1517A>G, p.Gln506Arg (NM_001367653.1, NM_001367633.1, NM_001367634.1); c.1727A>G, p.Gln576Arg (NM_001367655.1, NM_001367700.1); c.803A>G, p.Gln268Arg (NM_001367658.1); c.1208A>G, p.Gln403Arg (NM_001171944.2); c.1166A>G, p.Gln389Arg (NM_001367635.1); and 43 more; short protein forms Q268R, Q353R, Q403R, Q445R, Q450R, Q460R, Q483R, Q484R.
Identifiers: ClinVar variation 2917981 (VCV002917981.3), dbSNP rs1211973516, ClinGen allele CA366533218.
Genomic context (GRCh38, chr7:857,950, plus strand): 5'-AGTCAGAGCTGTCCAGCTGGCGACACGTGAAGACCGGCTGTGAGACAGTGGATGCCGTAC[A>G]AGAAAGAGTGAGCTTTCTGCATGTTTACTTTTTGTTTTATAATAGAAAGTAAAAGAAAAC-3'
Protein context (NP_001124437.1, residues 496-516): KTGCETVDAV[Gln506Arg]ERVDVQVREM

ClinVar aggregate classification (germline): Uncertain significance (1 of 4 stars; one submission).

Conditions:
Emery-Dreifuss muscular dystrophy (EDMD). Also called: Scapuloperoneal syndrome, X-linked (formerly); Humeroperoneal neuromuscular disease, (formerly). Identifiers: Orphanet 261, MedGen C0410189, MONDO:0016830.

Allele frequency attached by ClinVar (database versions not stated): gnomAD 0.00001; gnomAD exomes 0.00001; TOPMed below 0.00001.
gnomAD v4.1: 12 of 1,568,226 alleles (0.00077%); highest among the groups gnomAD compares: African/African-American, 0.0014%; no homozygotes.

Submission:

Labcorp Genetics (formerly Invitae), Labcorp
Classification: Uncertain significance for Emery-Dreifuss muscular dystrophy. Last evaluated: 2023-07-27. Review status: criteria provided, single submitter. Criteria: Invitae Variant Classification Sherloc (09022015). Collection method: clinical testing. Allele origin: germline.
Comment: In summary, the available evidence is currently insufficient to determine the role of this variant in disease. Therefore, it has been classified as a Variant of Uncertain Significance. Algorithms developed to predict the effect of sequence changes on RNA splicing suggest that this variant may create or strengthen a splice site. Algorithms developed to predict the effect of missense changes on protein structure and function output the following: SIFT: "Not Available"; PolyPhen-2: "Benign"; Align-GVGD: "Not Available". The arginine amino acid residue is found in multiple mammalian species, which suggests that this missense change does not adversely affect protein function. This variant has not been reported in the literature in individuals affected with SUN1-related conditions. This variant is present in population databases (no rsID available, gnomAD 0.007%). This sequence change replaces glutamine, which is neutral and polar, with arginine, which is basic and polar, at codon 506 of the SUN1 protein (p.Gln506Arg).